The following is an entry in ClinVar:

ClinVar aggregate classification (germline): Uncertain significance (1 of 4 stars; one submission).

Conditions:
Familial melanoma. Also called: Hereditary melanoma; Hereditary cutaneous melanoma. Identifiers: Orphanet 618, MedGen C1512419, MONDO:0018961.

Submission:

Labcorp Genetics (formerly Invitae), Labcorp
Classification: Uncertain significance for Familial melanoma. Last evaluated: 2023-12-14. Review status: criteria provided, single submitter. Criteria: Invitae Variant Classification Sherloc (09022015). Collection method: clinical testing. Allele origin: germline.
Comment: This sequence change replaces threonine, which is neutral and polar, with lysine, which is basic and polar, at codon 177 of the CDK4 protein (p.Thr177Lys). This variant is not present in population databases (gnomAD no frequency). This variant has not been reported in the literature in individuals affected with CDK4-related conditions. Advanced modeling of protein sequence and biophysical properties (such as structural, functional, and spatial information, amino acid conservation, physicochemical variation, residue mobility, and thermodynamic stability) performed at Invitae indicates that this missense variant is expected to disrupt CDK4 protein function with a positive predictive value of 95%. In summary, the available evidence is currently insufficient to determine the role of this variant in disease. Therefore, it has been classified as a Variant of Uncertain Significance.

NM_000075.4(CDK4):c.530C>A (p.Thr177Lys)

Gene: CDK4 (cyclin dependent kinase 4; minus strand). Cytogenetic location: 12q14.1.
Variant type: single nucleotide variant.
Coding change: c.530C>A on transcript NM_000075.4 (MANE Select); coding-DNA position 530, C replaced by A.
Protein change: p.Thr177Lys; replaces threonine 177 with lysine.
Molecular consequence: missense variant.
Genome position (GRCh38, 1-based): chr12:57,750,758, G>T on the plus strand (C>A on the coding strand, the complement: CDK4 is on the minus strand). VCF-style: chr12-57750758-G-T. GRCh37 (hg19) VCF-style: chr12-58144541-G-T.
Other names: short protein forms T177K.
Identifiers: ClinVar variation 2794472 (VCV002794472.3), dbSNP rs2140385882, ClinGen allele CA385546003.